The following is an entry in ClinVar:

ClinVar aggregate classification (germline): Uncertain significance (1 of 4 stars; one submission).

Conditions:
MACF1-related disorder. Also called: MACF1-related condition.

gnomAD v4.1: 18 of 1,613,700 alleles (0.0011%); highest among the groups gnomAD compares: African/African-American, 0.0053%; no homozygotes.

Submission:

PreventionGenetics, part of Exact Sciences
Classification: Uncertain significance for MACF1-related condition. Last evaluated: 2026-03-24. Review status: criteria provided, single submitter. Criteria: ACMG Guidelines, 2015. Collection method: clinical testing. Allele origin: germline.
Comment: The MACF1 c.10282C>T variant is predicted to result in the amino acid substitution p.Arg3428Trp. To our knowledge, this variant has not been reported in the literature. This variant is reported in 0.0062% of alleles in individuals of African descent in gnomAD. At this time, the clinical significance of this variant is uncertain due to the absence of conclusive functional and genetic evidence.

NM_001394062.1(MACF1):c.16468C>T (p.Arg5490Trp)

Gene: MACF1 (microtubule actin crosslinking factor 1; plus strand). Cytogenetic location: 1p34.3.
Variant type: single nucleotide variant.
Coding change: c.16468C>T on transcript NM_001394062.1 (MANE Select); coding-DNA position 16468, C replaced by T.
Protein change: p.Arg5490Trp; replaces arginine 5490 with tryptophan.
Molecular consequence: missense variant.
Genome position (GRCh38, 1-based): chr1:39,427,606, C>T. VCF-style: chr1-39427606-C-T. GRCh37 (hg19) VCF-style: chr1-39893278-C-T.
Other names: c.4864C>T, p.Arg1622Trp (NM_001397473.1); c.10282C>T, p.Arg3428Trp (NM_012090.5); short protein forms R5490W, R1622W, R3428W.
Identifiers: ClinVar variation 4979933 (VCV004979933.1).